The following is an entry in ClinVar:

ClinVar aggregate classification (germline): Uncertain significance (1 of 4 stars; one submission).

Submission:

Labcorp Genetics (formerly Invitae), Labcorp
Classification: Uncertain significance. Last evaluated: 2022-03-09. Review status: criteria provided, single submitter. Criteria: Invitae Variant Classification Sherloc (09022015). Collection method: clinical testing. Allele origin: germline.
Comment: This sequence change replaces tryptophan with cysteine at codon 85 of the REEP6 protein (p.Trp85Cys). The tryptophan residue is highly conserved and there is a large physicochemical difference between tryptophan and cysteine. This variant is not present in population databases (gnomAD no frequency). This variant has not been reported in the literature in individuals affected with REEP6-related conditions. Experimental studies and prediction algorithms are not available or were not evaluated, and the functional significance of this variant is currently unknown. In summary, the available evidence is currently insufficient to determine the role of this variant in disease. Therefore, it has been classified as a Variant of Uncertain Significance.

NM_138393.4(REEP6):c.255G>C (p.Trp85Cys)

Gene: REEP6 (receptor accessory protein 6; plus strand). Cytogenetic location: 19p13.3.
Variant type: single nucleotide variant.
Coding change: c.255G>C on transcript NM_138393.4 (MANE Select); coding-DNA position 255, G replaced by C.
Protein change: p.Trp85Cys; replaces tryptophan 85 with cysteine.
Molecular consequence: missense variant.
Genome position (GRCh38, 1-based): chr19:1,495,514, G>C. VCF-style: chr19-1495514-G-C. GRCh37 (hg19) VCF-style: chr19-1495513-G-C.
Other names: c.255G>C, p.Trp85Cys (NM_001329556.3); short protein forms W85C.
Identifiers: ClinVar variation 1442487 (VCV001442487.4), dbSNP rs1488236066, ClinGen allele CA403056658.
Genomic context (GRCh38, chr19:1,495,514, plus strand): 5'-GCACCCTCCCTGCAGAATCAAAGCTATCGAGAGCCCAAGCAAGGACGACGACACTGTGTG[G>C]CTCACCTACTGGGTGGTGTACGCCCTGTTTGGGCTGGCCGAGTTCTTCAGCGATCTACTC-3'
Protein context (NP_612402.1, residues 75-95): ESPSKDDDTV[Trp85Cys]LTYWVVYALF